The following is an entry in ClinVar:

ClinVar aggregate classification (germline): Uncertain significance (1 of 4 stars; one submission).

Submission:

Labcorp Genetics (formerly Invitae), Labcorp
Classification: Uncertain significance. Last evaluated: 2021-09-24. Review status: criteria provided, single submitter. Criteria: Invitae Variant Classification Sherloc (09022015). Collection method: clinical testing. Allele origin: germline.
Comment: In summary, the available evidence is currently insufficient to determine the role of this variant in disease. Therefore, it has been classified as a Variant of Uncertain Significance. Experimental studies and prediction algorithms are not available or were not evaluated, and the functional significance of this variant is currently unknown. This variant has not been reported in the literature in individuals affected with USH2A-related conditions. This variant results in a copy number gain of the genomic region encompassing exon(s) 36-37 of the USH2A gene. While the exact position of this variant cannot be determined from the data, sub-genic copy number gains are generally in tandem (PMID: 25640679). This variant is predicted to be in-frame, and likely preserves the integrity of the reading frame.

Literature cited by the submitters: PubMed 25640679.

NC_000001.10:g.(?_216138639)_(216144138_?)dup

Gene: USH2A (usherin; minus strand). Cytogenetic location: 1q41.
Variant type: Duplication.
Identifiers: ClinVar variation 1413062 (VCV001413062.4).